The following is an entry in ClinVar:

ClinVar aggregate classification (germline): Conflicting classifications of pathogenicity. Review status: criteria provided, conflicting classifications (1 of 4 stars). 3 submissions from 3 submitters: Uncertain significance (2); Likely benign (1). Last evaluated 2026-01-16.

Conditions:
CFAP410-related disorder. Also called: CFAP410-related condition.

Allele frequency attached by ClinVar (database versions not stated): ESP Exome Variant Server 0.00008; TOPMed 0.00024; ExAC 0.00031; gnomAD 0.00031; gnomAD exomes 0.00032.
gnomAD v4.1: 643 of 1,605,604 alleles (0.04%); highest among the groups gnomAD compares: Non-Finnish European, 0.05%; no homozygotes.

Submissions (3):

PreventionGenetics, part of Exact Sciences
Classification: Uncertain significance for CFAP410-related condition. Last evaluated: 2026-01-16. Review status: criteria provided, single submitter. Criteria: ACMG Guidelines, 2015. Collection method: clinical testing. Allele origin: germline.
Comment: The CFAP410 c.398G>A variant is predicted to result in the amino acid substitution p.Arg133His. To our knowledge, this variant has not been reported in the literature. This variant is reported in 0.082% of alleles in individuals of East Asian descent in gnomAD, which may be too frequent to be a primary cause of disease. Although we suspect that this variant may be benign, at this time, the clinical significance of this variant is uncertain due to the absence of conclusive functional and genetic evidence.

Blueprint Genetics
Classification: Likely benign. Last evaluated: 2024-10-21. Review status: criteria provided, single submitter. Criteria: ACMG Guidelines, 2015. Collection method: clinical testing. Allele origin: germline.

Labcorp Genetics (formerly Invitae), Labcorp
Classification: Uncertain significance. Last evaluated: 2022-10-25. Review status: criteria provided, single submitter. Criteria: Invitae Variant Classification Sherloc (09022015). Collection method: clinical testing. Allele origin: germline.
Comment: This sequence change replaces arginine, which is basic and polar, with histidine, which is basic and polar, at codon 133 of the CFAP410 protein (p.Arg133His). This variant is present in population databases (rs144430869, gnomAD 0.08%). This variant has not been reported in the literature in individuals affected with CFAP410-related conditions. ClinVar contains an entry for this variant (Variation ID: 965160). Advanced modeling of protein sequence and biophysical properties (such as structural, functional, and spatial information, amino acid conservation, physicochemical variation, residue mobility, and thermodynamic stability) performed at Invitae indicates that this missense variant is not expected to disrupt CFAP410 protein function. In summary, the available evidence is currently insufficient to determine the role of this variant in disease. Therefore, it has been classified as a Variant of Uncertain Significance.

NM_004928.3(CFAP410):c.398G>A (p.Arg133His)

Gene: CFAP410 (cilia and flagella associated protein 410; minus strand). Cytogenetic location: 21q22.3.
Variant type: single nucleotide variant.
Coding change: c.398G>A on transcript NM_004928.3 (MANE Select); coding-DNA position 398, G replaced by A.
Protein change: p.Arg133His; replaces arginine 133 with histidine.
Molecular consequence: missense variant.
Genome position (GRCh38, 1-based): chr21:44,331,990, C>T on the plus strand (G>A on the coding strand, the complement: CFAP410 is on the minus strand). VCF-style: chr21-44331990-C-T. GRCh37 (hg19) VCF-style: chr21-45751873-C-T.
Other names: c.398G>A, p.Arg133His (NM_001271440.2, NM_001271441.2); c.275G>A, p.Arg92His (NM_001271442.1); short protein forms R92H, R133H.
Identifiers: ClinVar variation 965160 (VCV000965160.7), dbSNP rs144430869, ClinGen allele CA10053683.